The following is an entry in ClinVar:

NM_014633.5(CTR9):c.2488C>T (p.Arg830Trp)

Gene: CTR9 (CTR9 component of Paf1/RNA polymerase II complex; plus strand). Cytogenetic location: 11p15.4.
Variant type: single nucleotide variant.
Coding change: c.2488C>T on transcript NM_014633.5 (MANE Select); coding-DNA position 2488, C replaced by T.
Protein change: p.Arg830Trp; replaces arginine 830 with tryptophan.
Molecular consequence: missense variant.
Genome position (GRCh38, 1-based): chr11:10,772,563, C>T. VCF-style: chr11-10772563-C-T. GRCh37 (hg19) VCF-style: chr11-10794110-C-T.
Other names: c.2416C>T, p.Arg806Trp (NM_001346279.2); short protein forms R806W, R830W.
Identifiers: ClinVar variation 2910258 (VCV002910258.3), dbSNP rs1211230732, ClinGen allele CA379676027.

ClinVar aggregate classification (germline): Uncertain significance (1 of 4 stars; one submission).

Allele frequency attached by ClinVar (database versions not stated): gnomAD exomes below 0.00001.

Submission:

Labcorp Genetics (formerly Invitae), Labcorp
Classification: Uncertain significance. Last evaluated: 2023-06-14. Review status: criteria provided, single submitter. Criteria: Invitae Variant Classification Sherloc (09022015). Collection method: clinical testing. Allele origin: germline.
Comment: In summary, the available evidence is currently insufficient to determine the role of this variant in disease. Therefore, it has been classified as a Variant of Uncertain Significance. An algorithm developed to predict the effect of missense changes on protein structure and function (PolyPhen-2) suggests that this variant is likely to be disruptive. This missense change has been observed in individual(s) with autism spectrum disorder (PMID: 28714951). This variant is present in population databases (no rsID available, gnomAD 0.004%). This sequence change replaces arginine, which is basic and polar, with tryptophan, which is neutral and slightly polar, at codon 830 of the CTR9 protein (p.Arg830Trp).

Literature cited by the submitters: PubMed 28714951.